The following is an entry in ClinVar:

ClinVar aggregate classification (germline): Uncertain significance (1 of 4 stars; one submission).

Conditions:
Dilated cardiomyopathy 1J (CMD1J). Also called: CARDIOMYOPATHY, DILATED, WITH SENSORINEURAL HEARING LOSS, AUTOSOMAL DOMINANT. Identifiers: Orphanet 217622, MedGen C1854368, MONDO:0011541, OMIM 605362.

Submission:

Labcorp Genetics (formerly Invitae), Labcorp
Classification: Uncertain significance for Dilated cardiomyopathy 1J. Last evaluated: 2025-07-02. Review status: criteria provided, single submitter. Criteria: Invitae Variant Classification Sherloc (09022015). Collection method: clinical testing. Allele origin: germline.
Comment: This sequence change replaces alanine, which is neutral and non-polar, with asparagine, which is neutral and polar, at codon 417 of the EYA4 protein (p.Ala417Asn). This variant is present in population databases (no rsID available, gnomAD 0.003%). This variant has not been reported in the literature in individuals affected with EYA4-related conditions. An algorithm developed to predict the effect of missense changes on protein structure and function (PolyPhen-2) suggests that this variant is likely to be disruptive. In summary, the available evidence is currently insufficient to determine the role of this variant in disease. Therefore, it has been classified as a Variant of Uncertain Significance.

NM_004100.5(EYA4):c.1249_1250delinsAA (p.Ala417Asn)

Genes: EYA4 (EYA transcriptional coactivator and phosphatase 4; plus strand), TARID (TCF21 antisense RNA inducing promoter demethylation; minus strand), LOC126859796 (MED14-independent group 3 enhancer GRCh37_chr6:133826289-133827488; plus strand). Cytogenetic location: 6q23.2.
Variant type: Indel.
Coding change: c.1249_1250delinsAA on transcript NM_004100.5 (MANE Select); coding-DNA positions 1249 to 1250, GC replaced by AA.
Protein change: p.Ala417Asn; replaces alanine 417 with asparagine.
Molecular consequence: missense variant. On other transcripts: non-coding transcript variant (1).
Genome position (GRCh38, 1-based): chr6:133,506,163-133,506,164, GC replaced by AA. VCF-style: chr6-133506163-GC-AA. GRCh37 (hg19) VCF-style: chr6-133827301-GC-AA.
Other names: c.1087_1088delinsAA, p.Ala363Asn (NM_001301012.2); c.1267_1268delinsAA, p.Ala423Asn (NM_001301013.2); c.1180_1181delinsAA, p.Ala394Asn (NM_001370458.1, NM_172103.4); c.1105_1106delinsAA, p.Ala369Asn (NM_001370459.1); c.1249_1250delinsAA, p.Ala417Asn (NM_172105.4); short protein forms A363N, A417N, A369N, A394N, A423N.
Identifiers: ClinVar variation 4701676 (VCV004701676.1).